The following is an entry in ClinVar:

NM_000127.3(EXT1):c.414dup (p.Glu139fs)

Gene: EXT1 (exostosin glycosyltransferase 1; minus strand). Cytogenetic location: 8q24.11.
Variant type: Duplication.
Coding change: c.414dup on transcript NM_000127.3 (MANE Select); coding-DNA position 414, one base duplicated (C; older notation c.414dupC).
Protein change: p.Glu139fs; shifts the reading frame from glutamic acid 139.
Molecular consequence: frameshift variant.
Genome position (GRCh38, 1-based): chr8:118,110,633, G duplicated on the plus strand (C on the coding strand, the reverse complement: EXT1 is on the minus strand). VCF-style (leftmost placement, unchanged base first): chr8-118110632-C-CG. GRCh37 (hg19) VCF-style: chr8-119122871-C-CG.
Other names: c.414dupC (NM_000127.2); short protein forms E139fs.
Identifiers: ClinVar variation 4993412 (VCV004993412.1).

ClinVar aggregate classification (germline): Likely pathogenic (1 of 4 stars; one submission).

Conditions:
EXT1-related disorder. Also called: EXT1-related condition.

Submission:

PreventionGenetics, part of Exact Sciences
Classification: Likely pathogenic for EXT1-related condition. Last evaluated: 2025-11-03. Review status: criteria provided, single submitter. Criteria: ACMG Guidelines, 2015. Collection method: clinical testing. Allele origin: germline.
Comment: The EXT1 c.414dupC variant is predicted to result in a frameshift and premature protein termination (p.Glu139Argfs*50). To our knowledge, this variant has not been reported in the literature or in a large population database (gnomAD), indicating this variant is rare. Frameshift variants in EXT1 are expected to be pathogenic. This variant is interpreted as likely pathogenic.